The following is an entry in ClinVar:

ClinVar aggregate classification (germline): Uncertain significance (1 of 4 stars; one submission).

Conditions:
Intellectual developmental disorder, autosomal dominant 57. Also called: MENTAL RETARDATION, AUTOSOMAL DOMINANT 57; Intellectual disability, autosomal dominant 57. Identifiers: MedGen C4748003, MONDO:0054837, OMIM 618050.

Submission:

Institute of Human Genetics, University of Leipzig Medical Center
Classification: Uncertain significance for Intellectual developmental disorder, autosomal dominant 57. Last evaluated: 2025-12-02. Review status: criteria provided, single submitter. Criteria: ACMG Guidelines, 2015. Collection method: clinical testing. Allele origin: de novo. Inheritance: Autosomal dominant inheritance. Affected: yes.
Comment: Criteria applied: PS2_MOD,PM2,PP2

NM_006852.6(TLK2):c.1508G>C (p.Arg503Thr)

Gene: TLK2 (tousled like kinase 2; plus strand). Cytogenetic location: 17q23.2.
Variant type: single nucleotide variant.
Coding change: c.1508G>C on transcript NM_006852.6 (MANE Select); coding-DNA position 1508, G replaced by C.
Protein change: p.Arg503Thr; replaces arginine 503 with threonine.
Molecular consequence: missense variant.
Genome position (GRCh38, 1-based): chr17:62,596,632, G>C. VCF-style: chr17-62596632-G-C. GRCh37 (hg19) VCF-style: chr17-60673993-G-C.
Other names: c.1574G>C, p.Arg525Thr (NM_001284333.3); c.1412G>C, p.Arg471Thr (NM_001284363.1, NM_001375272.1, NM_001438203.1 and 1 more transcripts); c.1061G>C, p.Arg354Thr (NM_001330418.3, NM_001375273.1); c.1550G>C, p.Arg517Thr (NM_001375269.1); c.1508G>C, p.Arg503Thr (NM_001375270.1, NM_001375271.1); c.1223G>C, p.Arg408Thr (NM_001411074.1); c.1319G>C, p.Arg440Thr (NM_001438205.1); short protein forms R354T, R408T, R440T, R471T, R503T, R517T, R525T.
Identifiers: ClinVar variation 4683098 (VCV004683098.1).